The following is an entry in ClinVar:

NM_014159.7(SETD2):c.3121T>C (p.Ser1041Pro)

Gene: SETD2 (SET domain containing 2, histone lysine methyltransferase; minus strand). Cytogenetic location: 3p21.31.
Variant type: single nucleotide variant.
Coding change: c.3121T>C on transcript NM_014159.7 (MANE Select); coding-DNA position 3121, T replaced by C.
Protein change: p.Ser1041Pro; replaces serine 1041 with proline.
Molecular consequence: missense variant. On other transcripts: non-coding transcript variant (1).
Genome position (GRCh38, 1-based): chr3:47,121,515, A>G on the plus strand (T>C on the coding strand, the complement: SETD2 is on the minus strand). VCF-style: chr3-47121515-A-G. GRCh37 (hg19) VCF-style: chr3-47163005-A-G.
Other names: c.2989T>C, p.Ser997Pro (NM_001349370.3); short protein forms S1041P, S997P.
Identifiers: ClinVar variation 3377885 (VCV003377885.1).

ClinVar aggregate classification (germline): Uncertain significance (1 of 4 stars; one submission).

Submission:

GeneDx
Classification: Uncertain significance. Last evaluated: 2024-05-15. Review status: criteria provided, single submitter. Criteria: GeneDx Variant Classification Process June 2021. Collection method: clinical testing. Allele origin: germline. Affected: yes.
Comment: In silico analysis supports that this missense variant has a deleterious effect on protein structure/function; Has not been previously published as pathogenic or benign to our knowledge